The following is an entry in ClinVar:

NM_024426.6(WT1):c.277G>A (p.Gly93Ser)

Genes: WT1 (WT1 transcription factor; minus strand), LOC107982234 (WT1/WT1-AS bi-directional promoter region; plus strand). Cytogenetic location: 11p13.
Variant type: single nucleotide variant.
Coding change: c.277G>A on transcript NM_024426.6 (MANE Select); coding-DNA position 277, G replaced by A.
Protein change: p.Gly93Ser; replaces glycine 93 with serine.
Molecular consequence: missense variant. On other transcripts: non-coding transcript variant (2).
Genome position (GRCh38, 1-based): chr11:32,435,084, C>T on the plus strand (G>A on the coding strand, the complement: WT1 is on the minus strand). VCF-style: chr11-32435084-C-T. GRCh37 (hg19) VCF-style: chr11-32456630-C-T.
Other names: c.277G>A, p.Gly93Ser (NM_000378.6, NM_001407044.1, NM_001407045.1 and 6 more transcripts); c.58G>A, p.Gly20Ser (NM_001429031.1, NM_001429032.1, NM_001429033.1 and 1 more transcripts); short protein forms G88S, G93S, G20S.
Identifiers: ClinVar variation 3817459 (VCV003817459.1).
Genomic context (GRCh38, chr11:32,435,084, plus strand): 5'-AGTCCAGCACCGGCGCCCACTGCGCCGCGCCGCTCACAGGCAGGGCACAGCCGCCGCCGC[C>T]ACCCAGGGAGGGGACGGCGGGCAGCAGCGCGTTCAGGTCCCGCACGTCGGAGCCCATTTG-3'
Protein context (NP_077744.4, residues 83-103): ALLPAVPSLG[Gly93Ser]GGGCALPVSG

ClinVar aggregate classification (germline): Uncertain significance (1 of 4 stars; one submission).

Conditions:
Inborn genetic diseases. Identifiers: MedGen C0950123, MeSH D030342.

Submission:

Ambry Genetics
Classification: Uncertain significance for Inborn genetic diseases. Last evaluated: 2024-12-29. Review status: criteria provided, single submitter. Criteria: Ambry Variant Classification Scheme 2023. Collection method: clinical testing. Allele origin: germline.
Comment: The p.G88S variant (also known as c.262G>A), located in coding exon 1 of the WT1 gene, results from a G to A substitution at nucleotide position 262. The glycine at codon 88 is replaced by serine, an amino acid with similar properties. This amino acid position is conserved. In addition, this alteration is predicted to be tolerated by in silico analysis. Based on the available evidence, the clinical significance of this variant remains unclear.